The following is an entry in ClinVar:

NM_001273.5(CHD4):c.2343C>T (p.Ser781=)

Gene: CHD4 (chromodomain helicase DNA binding protein 4; minus strand). Cytogenetic location: 12p13.31.
Variant type: single nucleotide variant.
Coding change: c.2343C>T on transcript NM_001273.5 (MANE Select); coding-DNA position 2343, C replaced by T.
Protein change: p.Ser781=; no amino-acid change (serine 781 retained).
Molecular consequence: synonymous variant.
Genome position (GRCh38, 1-based): chr12:6,593,587, G>A on the plus strand (C>T on the coding strand, the complement: CHD4 is on the minus strand). VCF-style: chr12-6593587-G-A. GRCh37 (hg19) VCF-style: chr12-6702753-G-A.
Other names: c.2322C>T, p.Ser774= (NM_001297553.2); c.2304C>T, p.Ser768= (NM_001363606.2).
Identifiers: ClinVar variation 3389336 (VCV003389336.14).

ClinVar aggregate classification (germline): Likely benign (1 of 4 stars; one submission).

gnomAD v4.1: 7 of 1,614,154 alleles (0.00043%); highest among the groups gnomAD compares: South Asian, 0.0022%; no homozygotes.

Submission:

CeGaT Center for Human Genetics Tuebingen
Classification: Likely benign. Last evaluated: 2024-09-01. Review status: criteria provided, single submitter. Criteria: CeGaT Center For Human Genetics Tuebingen Variant Classification Criteria Version 2. Collection method: clinical testing. Allele origin: germline. Affected: yes. Observed: 1 variant allele.
Comment: CHD4: BP4, BP7